The following is an entry in ClinVar:

ClinVar aggregate classification (germline): Uncertain significance. Review status: criteria provided, multiple submitters, no conflicts (2 of 4 stars). 2 submissions from 2 submitters: Uncertain significance (2). Last evaluated 2025-02-16.

Conditions:
Hereditary nonpolyposis colorectal neoplasms. Identifiers: MedGen C0009405, MeSH D003123.
Hereditary cancer-predisposing syndrome. Also called: Neoplastic Syndromes, Hereditary; Tumor predisposition; Hereditary Cancer Syndrome; Hereditary neoplastic syndrome. Identifiers: Orphanet 140162, MedGen C0027672, MeSH D009386, MONDO:0015356.

Submissions (2):

Ambry Genetics
Classification: Uncertain significance for Hereditary cancer-predisposing syndrome. Last evaluated: 2025-02-16. Review status: criteria provided, single submitter. Criteria: Ambry Variant Classification Scheme 2023. Collection method: clinical testing. Allele origin: germline.
Comment: The p.L1036M variant (also known as c.3106C>A), located in coding exon 4 of the MSH6 gene, results from a C to A substitution at nucleotide position 3106. The leucine at codon 1036 is replaced by methionine, an amino acid with highly similar properties. This amino acid position is conserved. In addition, the in silico prediction for this alteration is inconclusive. Based on the available evidence, the clinical significance of this variant remains unclear.

Labcorp Genetics (formerly Invitae), Labcorp
Classification: Uncertain significance for Hereditary nonpolyposis colorectal neoplasms. Last evaluated: 2024-09-23. Review status: criteria provided, single submitter. Criteria: Invitae Variant Classification Sherloc (09022015). Collection method: clinical testing. Allele origin: germline.
Comment: This sequence change replaces leucine, which is neutral and non-polar, with methionine, which is neutral and non-polar, at codon 1036 of the MSH6 protein (p.Leu1036Met). This variant is not present in population databases (gnomAD no frequency). This variant has not been reported in the literature in individuals affected with MSH6-related conditions. Invitae Evidence Modeling of protein sequence and biophysical properties (such as structural, functional, and spatial information, amino acid conservation, physicochemical variation, residue mobility, and thermodynamic stability) indicates that this missense variant is not expected to disrupt MSH6 protein function with a negative predictive value of 95%. In summary, the available evidence is currently insufficient to determine the role of this variant in disease. Therefore, it has been classified as a Variant of Uncertain Significance.

NM_000179.3(MSH6):c.3106C>A (p.Leu1036Met)

Gene: MSH6 (mutS homolog 6; plus strand). Cytogenetic location: 2p16.3.
Variant type: single nucleotide variant.
Coding change: c.3106C>A on transcript NM_000179.3 (MANE Select); coding-DNA position 3106, C replaced by A.
Protein change: p.Leu1036Met; replaces leucine 1036 with methionine.
Molecular consequence: missense variant. On other transcripts: non-coding transcript variant (5), intron variant (2).
Genome position (GRCh38, 1-based): chr2:47,801,089, C>A. VCF-style: chr2-47801089-C-A. GRCh37 (hg19) VCF-style: chr2-48028228-C-A.
Other names: c.2716C>A, p.Leu906Met (NM_001281492.2); c.2200C>A, p.Leu734Met (NM_001281493.2, NM_001281494.2, NM_001406811.1 and 6 more transcripts); c.3202C>A, p.Leu1068Met (NM_001406795.1, NM_001406802.1); c.3106C>A, p.Leu1036Met (NM_001406796.1, NM_001406798.1, NM_001406800.1 and 2 more transcripts); c.2809C>A, p.Leu937Met (NM_001406797.1, NM_001406801.1, NM_001406805.1 and 10 more transcripts); c.2581C>A, p.Leu861Met (NM_001406799.1, NM_001406806.1, NM_001406807.1); c.3028C>A, p.Leu1010Met (NM_001406804.1); c.3112C>A, p.Leu1038Met (NM_001406813.1); and 4 more; short protein forms L937M, L1036M, L1068M, L351M, L861M, L734M, L906M, L980M.
Identifiers: ClinVar variation 3633964 (VCV003633964.3).
Genomic context (GRCh38, chr2:47,801,089, plus strand): 5'-GCTAATCTCATAAATGCTGAAGAACGGAGGGATGTATCATTGAAGGACTGCATGCGGCGA[C>A]TGTTCTATAACTTTGATAAAAATTACAAGGACTGGCAGTCTGCTGTAGAGTGTATCGCAG-3'
Protein context (NP_000170.1, residues 1026-1046): DVSLKDCMRR[Leu1036Met]FYNFDKNYKD